The following is an entry in ClinVar:

ClinVar aggregate classification (germline): Uncertain significance (1 of 4 stars; one submission).

gnomAD v4.1: 5 of 1,614,042 alleles (0.00031%); highest among the groups gnomAD compares: Non-Finnish European, 0.00042%; no homozygotes.

Submission:

Labcorp Genetics (formerly Invitae), Labcorp
Classification: Uncertain significance. Last evaluated: 2025-01-22. Review status: criteria provided, single submitter. Criteria: Invitae Variant Classification Sherloc (09022015). Collection method: clinical testing. Allele origin: germline.
Comment: This sequence change replaces serine, which is neutral and polar, with isoleucine, which is neutral and non-polar, at codon 595 of the FCHO1 protein (p.Ser595Ile). This variant is present in population databases (rs751315326, gnomAD 0.0009%). This variant has not been reported in the literature in individuals affected with FCHO1-related conditions. An algorithm developed to predict the effect of missense changes on protein structure and function (PolyPhen-2) suggests that this variant is likely to be tolerated. In summary, the available evidence is currently insufficient to determine the role of this variant in disease. Therefore, it has been classified as a Variant of Uncertain Significance.

NM_015122.3(FCHO1):c.1784G>T (p.Ser595Ile)

Gene: FCHO1 (FCH and mu domain containing endocytic adaptor 1; plus strand). Cytogenetic location: 19p13.11.
Variant type: single nucleotide variant.
Coding change: c.1784G>T on transcript NM_015122.3 (MANE Select); coding-DNA position 1784, G replaced by T.
Protein change: p.Ser595Ile; replaces serine 595 with isoleucine.
Molecular consequence: missense variant. On other transcripts: non-coding transcript variant (36).
Genome position (GRCh38, 1-based): chr19:17,781,495, G>T. VCF-style: chr19-17781495-G-T. GRCh37 (hg19) VCF-style: chr19-17892304-G-T.
Other names: c.1667G>T, p.Ser556Ile (NM_001384392.1, NM_001384393.1, NM_001384394.1 and 1 more transcripts); c.1508G>T, p.Ser503Ile (NM_001384396.1, NM_001384397.1, NM_001384398.1 and 5 more transcripts); c.1784G>T, p.Ser595Ile (NM_001384380.1, NM_001384381.1, NM_001384387.1 and 13 more transcripts); c.1634G>T, p.Ser545Ile (NM_001384384.1, NM_001384385.1, NM_001384386.1 and 1 more transcripts); c.1745G>T, p.Ser582Ile (NM_001384388.1, NM_001384389.1, NM_001384405.1); c.1709G>T, p.Ser570Ile (NM_001384390.1); c.1463G>T, p.Ser488Ile (NM_001384403.1); c.1358G>T, p.Ser453Ile (NM_001384406.1); and 1 more; short protein forms S556I, S582I, S453I, S503I, S405I, S545I, S488I, S570I.
Identifiers: ClinVar variation 3687708 (VCV003687708.2).
Genomic context (GRCh38, chr19:17,781,495, plus strand): 5'-GTCTCTTTCCCTTCCAGTCTCGTTCCCTGAGCCCCTCCCCACTGGGCTCTTCAGCCGCCA[G>T]CACTGCCTTGGAACGGCCCAGCTTCTTATCCCAGACAGGACACGGTATGTGAGGGCGGTC-3'
Protein context (NP_055937.1, residues 585-605): SPSPLGSSAA[Ser595Ile]TALERPSFLS